The following is an entry in ClinVar:

NM_018896.5(CACNA1G):c.5176_5187del (p.Ala1726_Met1729del)

Gene: CACNA1G (calcium voltage-gated channel subunit alpha1 G; plus strand). Cytogenetic location: 17q21.33.
Variant type: Deletion.
Coding change: c.5176_5187del on transcript NM_018896.5 (MANE Select); coding-DNA positions 5176 to 5187, 12 bases deleted (GCTGTGGGCATG).
Protein change: p.Ala1726_Met1729del.
Molecular consequence: inframe deletion. On other transcripts: non-coding transcript variant (5).
Genome position (GRCh38, 1-based): chr17:50,617,879-50,617,890, GCTGTGGGCATG deleted; deleting any 12 consecutive bases within chr17:50,617,876-50,617,890 gives the same sequence; the c. name uses the placement nearest the transcript's 3' end. VCF-style (leftmost placement, unchanged base first): chr17-50617875-GATGGCTGTGGGC-G. GRCh37 (hg19) VCF-style: chr17-48695236-GATGGCTGTGGGC-G.
Other names: c.5122_5133del, p.Ala1708_Met1711del (NM_001256324.2, NM_001256328.2, NM_198386.3); c.5197_5208del, p.Ala1733_Met1736del (NM_001256325.2); c.5041_5052del, p.Ala1681_Met1684del (NM_001256326.2, NM_001256330.2); c.5176_5187del, p.Ala1726_Met1729del (NM_001256327.2, NM_001256333.2, NM_198384.3 and 1 more transcripts); c.5074_5085del, p.Ala1692_Met1695del (NM_001256329.2, NM_198376.3, NM_198379.3 and 2 more transcripts); c.5020_5031del, p.Ala1674_Met1677del (NM_001256331.2); c.5005_5016del, p.Ala1669_Met1672del (NM_001256332.2); c.5143_5154del, p.Ala1715_Met1718del (NM_001256334.2, NM_198377.3, NM_198378.3 and 1 more transcripts); and 5 more.
Identifiers: ClinVar variation 1698215 (VCV001698215.2), dbSNP rs2146273449, ClinGen allele CA2580094206.

ClinVar aggregate classification (germline): Uncertain significance (1 of 4 stars; one submission).

Submission:

GeneDx
Classification: Uncertain significance. Last evaluated: 2022-01-24. Review status: criteria provided, single submitter. Criteria: GeneDx Variant Classification Process June 2021. Collection method: clinical testing. Allele origin: germline. Affected: yes.
Comment: Not observed at significant frequency in large population cohorts (gnomAD); In-frame deletion of 4 amino acids in a non-repeat region; In silico analysis supports a deleterious effect on protein structure/function; Has not been previously published as pathogenic or benign to our knowledge